The following is an entry in ClinVar:

NM_001080467.3(MYO5B):c.1698G>A (p.Glu566=)

Gene: MYO5B (myosin VB; minus strand). Cytogenetic location: 18q21.1.
Variant type: single nucleotide variant.
Coding change: c.1698G>A on transcript NM_001080467.3 (MANE Select); coding-DNA position 1698, G replaced by A.
Protein change: p.Glu566=; no amino-acid change (glutamic acid 566 retained).
Molecular consequence: synonymous variant.
Genome position (GRCh38, 1-based): chr18:49,953,314, C>T on the plus strand (G>A on the coding strand, the complement: MYO5B is on the minus strand). VCF-style: chr18-49953314-C-T. GRCh37 (hg19) VCF-style: chr18-47479684-C-T.
Identifiers: ClinVar variation 3060842 (VCV003060842.2), dbSNP rs2511317492, ClinGen allele CA503861493.

ClinVar aggregate classification (germline): Likely benign (0 of 4 stars; one submission).

Conditions:
MYO5B-related disorder. Also called: MYO5B-related condition.

Submission:

PreventionGenetics, part of Exact Sciences
Classification: Likely benign for MYO5B-related condition. Last evaluated: 2021-12-03. Review status: no assertion criteria provided. Collection method: clinical testing. Allele origin: germline.
Comment: This variant is classified as likely benign based on ACMG/AMP sequence variant interpretation guidelines (Richards et al. 2015 PMID: 25741868, with internal and published modifications).